The following is an entry in ClinVar:

NM_000376.3(VDR):c.148C>T (p.Arg50Ter)

Gene: VDR (vitamin D receptor; minus strand). Cytogenetic location: 12q13.11.
Variant type: single nucleotide variant.
Coding change: c.148C>T on transcript NM_000376.3 (MANE Select); coding-DNA position 148, C replaced by T.
Protein change: p.Arg50Ter; replaces arginine 50 with a stop codon.
Molecular consequence: nonsense.
Genome position (GRCh38, 1-based): chr12:47,865,176, G>A on the plus strand (C>T on the coding strand, the complement: VDR is on the minus strand). VCF-style: chr12-47865176-G-A. GRCh37 (hg19) VCF-style: chr12-48258959-G-A.
Other names: c.148C>T, p.Arg50Ter (NM_001017535.2, NM_001364085.2, NM_001374661.1 and 1 more transcripts); c.298C>T, p.Arg100Ter (NM_001017536.2); c.148C>T (NM_001017535.1); short protein forms R100*, R50*.
Identifiers: ClinVar variation 1343092 (VCV001343092.12), dbSNP rs201106427, ClinGen allele CA384511783.

ClinVar aggregate classification (germline): Pathogenic. Review status: criteria provided, multiple submitters, no conflicts (2 of 4 stars). 3 submissions from 3 submitters: Pathogenic (3). Last evaluated 2026-01-13.

Conditions:
Vitamin D-dependent rickets type II with alopecia (VDDR2A). Also called: GENERALIZED RESISTANCE TO 1,25-DIHYDROXYVITAMIN D; HYPOCALCEMIC VITAMIN D-RESISTANT RICKETS; PDDR IIA; PSEUDOVITAMIN D-DEFICIENCY, TYPE IIA; RICKETS, HEREDITARY VITAMIN D-RESISTANT; RICKETS-ALOPECIA SYNDROME. Identifiers: Orphanet 93160, MedGen C0342646, MONDO:0010186, OMIM 277440.

Allele frequency attached by ClinVar (database versions not stated): gnomAD exomes below 0.00001 and 0.00001; TOPMed 0.00002.
gnomAD v4.1: 7 of 1,607,710 alleles (0.00044%); highest among the groups gnomAD compares: Non-Finnish European, 0.00059%; no homozygotes.

Submissions (3):

Labcorp Genetics (formerly Invitae), Labcorp
Classification: Pathogenic. Last evaluated: 2026-01-13. Review status: criteria provided, single submitter. Criteria: Invitae Variant Classification Sherloc (09022015). Collection method: clinical testing. Allele origin: germline.
Comment: This sequence change creates a premature translational stop signal (p.Arg50*) in the VDR gene. It is expected to result in an absent or disrupted protein product. Loss-of-function variants in VDR are known to be pathogenic (PMID: 10204116, 24246681). The frequency data for this variant in the population databases is considered unreliable, as metrics indicate poor data quality at this position in the gnomAD database. This premature translational stop signal has been observed in individual(s) with vitamin D-dependent rickets (PMID: 21073129, 21424181). ClinVar contains an entry for this variant (Variation ID: 1343092). For these reasons, this variant has been classified as Pathogenic.

Fulgent Genetics
Classification: Pathogenic for Vitamin D-dependent rickets type II with alopecia. Last evaluated: 2024-03-18. Review status: criteria provided, single submitter. Criteria: ACMG Guidelines, 2015. Collection method: clinical testing. Allele origin: germline.

Laboratory of Cyto-molecular Genetics, Department of Anatomy, All India Institute of Medical Sciences (AIIMS), New Delhi
Classification: Pathogenic for Vitamin D-dependent rickets type II with alopecia. Last evaluated: 2022-03-07. Review status: criteria provided, single submitter. Criteria: ACMG Guidelines, 2015. Collection method: clinical testing. Allele origin: germline. Affected: yes. Observed: 11 variant alleles.
Comment: p.(Arg50*), nonsense variant

Literature cited by the submitters: PubMed 10204116 (cited by Labcorp Genetics (formerly Invitae), Labcorp); PubMed 24246681 (cited by Labcorp Genetics (formerly Invitae), Labcorp); PubMed 21073129 (cited by Labcorp Genetics (formerly Invitae), Labcorp); PubMed 21424181 (cited by Labcorp Genetics (formerly Invitae), Labcorp); PubMed 35738466 (cited by Laboratory of Cyto-molecular Genetics, Department of Anatomy, All India Institute of Medical Sciences (AIIMS), New Delhi).